The following is an entry in ClinVar:

NM_017662.5(TRPM6):c.3158A>G (p.Tyr1053Cys)

Gene: TRPM6 (transient receptor potential cation channel subfamily M member 6; minus strand). Cytogenetic location: 9q21.13.
Variant type: single nucleotide variant.
Coding change: c.3158A>G on transcript NM_017662.5 (MANE Select); coding-DNA position 3158, A replaced by G.
Protein change: p.Tyr1053Cys; replaces tyrosine 1053 with cysteine.
Molecular consequence: missense variant.
Genome position (GRCh38, 1-based): chr9:74,782,413, T>C on the plus strand (A>G on the coding strand, the complement: TRPM6 is on the minus strand). VCF-style: chr9-74782413-T-C. GRCh37 (hg19) VCF-style: chr9-77397329-T-C.
Other names: c.3143A>G, p.Tyr1048Cys (NM_001177310.2, NM_001177311.2); short protein forms Y1048C, Y1053C.
Identifiers: ClinVar variation 1709626 (VCV001709626.2), dbSNP rs2489966877, ClinGen allele CA373670650.

ClinVar aggregate classification (germline): Pathogenic (1 of 4 stars; one submission).

Conditions:
Intestinal hypomagnesemia 1. Also called: HYPOMAGNESEMIA, INTESTINAL, WITH SECONDARY HYPOCALCEMIA; HYPOMAGNESEMIC TETANY. Identifiers: Orphanet 30924, MedGen C1865974, MONDO:0011176, OMIM 602014.

gnomAD v4.1: 1 of 1,613,930 alleles (0.000062%); no homozygotes.

Submission:

MGZ Medical Genetics Center
Classification: Pathogenic for Intestinal hypomagnesemia 1. Last evaluated: 2022-07-19. Review status: criteria provided, single submitter. Criteria: ACMG Guidelines, 2015. Collection method: clinical testing. Allele origin: germline. Affected: yes. Observed: 1 variant allele.
Comment: ACMG criteria applied: PP1_STR, PS4_MOD, PM3, PS3_SUP, PM2_SUP, PP3